The following is an entry in ClinVar:

ClinVar aggregate classification (germline): Uncertain significance. Review status: criteria provided, multiple submitters, no conflicts (2 of 4 stars). 3 submissions from 3 submitters: Uncertain significance (3). Last evaluated 2025-07-07.

Conditions:
RYR1-related disorder. Also called: RYR1-related disorders; RYR1-related condition. Identifiers: MedGen CN239331.
Malignant hyperthermia, susceptibility to, 1 (MHS1). Also called: RYR1-Related Malignant Hyperthermia Susceptibility; Malignant hyperthermia suceptibility 1; Anesthesia related hyperthermia; Malignant hyperpyrexia; Fulminating hyperpyrexia; Pharmacogenic myopathy. Identifiers: Orphanet 423, MedGen C2930980, MONDO:0007783, OMIM 145600.

gnomAD v4.1: 3 of 1,613,602 alleles (0.00019%); highest among the groups gnomAD compares: Non-Finnish European, 0.00025%; no homozygotes.

Submissions (3):

Color Diagnostics, LLC DBA Color Health
Classification: Uncertain significance for Malignant hyperthermia, susceptibility to, 1. Last evaluated: 2025-07-07. Review status: criteria provided, single submitter. Criteria: ACMG Guidelines, 2015. Collection method: clinical testing. Allele origin: germline.
Comment: This missense variant replaces arginine with glycine at codon 2241 of the RYR1 protein. Computational prediction suggests that this variant may have deleterious impact on protein structure and function. To our knowledge, functional studies have not been reported for this variant. This variant has not been reported in individuals affected with RYR1-related disorders in the literature. This variant has been identified in 1/251116 chromosomes in the general population by the Genome Aggregation Database (gnomAD). The available evidence is insufficient to determine the role of this variant in disease conclusively. Therefore, this variant is classified as a Variant of Uncertain Significance.

All of Us Research Program, National Institutes of Health
Classification: Uncertain significance for Malignant hyperthermia, susceptibility to, 1. Last evaluated: 2023-03-23. Review status: criteria provided, single submitter. Criteria: ACMG Guidelines, 2015. Collection method: clinical testing. Allele origin: germline. Inheritance: Autosomal dominant inheritance. Observed: 2 variant alleles, 2 heterozygotes.
Comment: This missense variant replaces arginine with glycine at codon 2241 of the RYR1 protein. Computational prediction suggests that this variant may have deleterious impact on protein structure and function (internally defined REVEL score threshold >= 0.7, PMID: 27666373). To our knowledge, functional studies have not been reported for this variant. This variant has not been reported in individuals affected with RYR1-related disorders in the literature. This variant has been identified in 1/251116 chromosomes in the general population by the Genome Aggregation Database (gnomAD). The available evidence is insufficient to determine the role of this variant in disease conclusively. Therefore, this variant is classified as a Variant of Uncertain Significance.

This study involves interpretation of variants in research participants for the purpose of population health screening. Participant phenotype was not available at the time of variant classification. Additional details can be found in publication PMID: 35346344, PMCID: PMC8962531

Labcorp Genetics (formerly Invitae), Labcorp
Classification: Uncertain significance for RYR1-related disorder. Last evaluated: 2022-05-12. Review status: criteria provided, single submitter. Criteria: Invitae Variant Classification Sherloc (09022015). Collection method: clinical testing. Allele origin: germline.
Comment: This sequence change replaces arginine, which is basic and polar, with glycine, which is neutral and non-polar, at codon 2241 of the RYR1 protein (p.Arg2241Gly). This variant is present in population databases (rs200563280, gnomAD 0.0009%). This variant has not been reported in the literature in individuals affected with RYR1-related conditions. Advanced modeling of protein sequence and biophysical properties (such as structural, functional, and spatial information, amino acid conservation, physicochemical variation, residue mobility, and thermodynamic stability) performed at Invitae indicates that this missense variant is expected to disrupt RYR1 protein function. In summary, the available evidence is currently insufficient to determine the role of this variant in disease. Therefore, it has been classified as a Variant of Uncertain Significance.

NM_000540.3(RYR1):c.6721C>G (p.Arg2241Gly)

Gene: RYR1 (ryanodine receptor 1; plus strand). Cytogenetic location: 19q13.2.
Variant type: single nucleotide variant.
Coding change: c.6721C>G on transcript NM_000540.3 (MANE Select); coding-DNA position 6721, C replaced by G.
Protein change: p.Arg2241Gly; replaces arginine 2241 with glycine.
Molecular consequence: missense variant.
Genome position (GRCh38, 1-based): chr19:38,496,466, C>G. VCF-style: chr19-38496466-C-G. GRCh37 (hg19) VCF-style: chr19-38987106-C-G.
Other names: c.6721C>G, p.Arg2241Gly (NM_001042723.2); short protein forms R2241G.
Identifiers: ClinVar variation 2195315 (VCV002195315.3), dbSNP rs200563280, ClinGen allele CA068590.
Genomic context (GRCh38, chr19:38,496,466, plus strand): 5'-CAGGAGATCCGCTTCCCCAAGATGGTGACAAGCTGCTGCCGCTTCCTCTGCTATTTCTGC[C>G]GAATCAGCCGGCAGAACCAGCGCTCCATGTTTGACCACCTGAGCTACCTGCTGGAGAACA-3'
Protein context (NP_000531.2, residues 2231-2251): SCCRFLCYFC[Arg2241Gly]ISRQNQRSMF